The following is an entry in ClinVar:

NM_001943.5(DSG2):c.1537G>A (p.Val513Met)

Gene: DSG2 (desmoglein 2; plus strand). Cytogenetic location: 18q12.1.
Variant type: single nucleotide variant.
Coding change: c.1537G>A on transcript NM_001943.5 (MANE Select); coding-DNA position 1537, G replaced by A.
Protein change: p.Val513Met; replaces valine 513 with methionine.
Molecular consequence: missense variant.
Genome position (GRCh38, 1-based): chr18:31,536,315, G>A. VCF-style: chr18-31536315-G-A. GRCh37 (hg19) VCF-style: chr18-29116278-G-A.
Other names: c.1537G>A (NM_001943.3); short protein forms V513M.
Identifiers: ClinVar variation 927531 (VCV000927531.10), dbSNP rs1325342385, ClinGen allele CA402141697.

ClinVar aggregate classification (germline): Uncertain significance. Review status: criteria provided, multiple submitters, no conflicts (2 of 4 stars). 3 submissions from 3 submitters: Uncertain significance (3). Last evaluated 2024-05-11.

Conditions:
Arrhythmogenic right ventricular dysplasia 10. Also called: Arrhythmogenic Right Ventricular Dysplasia/Cardiomyopathy10; ARRHYTHMOGENIC RIGHT VENTRICULAR DYSPLASIA, FAMILIAL, 10; Arrhythmogenic right ventricular dysplasia/cardiomyopathy, type 10. Identifiers: MedGen C1857777, MONDO:0012434, OMIM 610193.
Cardiomyopathy (CMYO). Also called: Cardiomyopathies. Identifiers: Orphanet 167848, MedGen C0878544, MONDO:0004994, HP:0001638. Inheritance: Various modes of inheritance.
Cardiovascular phenotype. Identifiers: MedGen CN230736.

Allele frequency attached by ClinVar (database versions not stated): gnomAD exomes below 0.00001 and 0.00001.
gnomAD v4.1: 3 of 1,614,200 alleles (0.00019%); highest among the groups gnomAD compares: Middle Eastern, 0.016%; no homozygotes.

Submissions (3):

Ambry Genetics
Classification: Uncertain significance for Cardiovascular phenotype. Last evaluated: 2024-05-11. Review status: criteria provided, single submitter. Criteria: Ambry Variant Classification Scheme 2023. Collection method: clinical testing. Allele origin: germline.
Comment: The p.V513M variant (also known as c.1537G>A), located in coding exon 11 of the DSG2 gene, results from a G to A substitution at nucleotide position 1537. The valine at codon 513 is replaced by methionine, an amino acid with highly similar properties. This amino acid position is conserved. In addition, the in silico prediction for this alteration is inconclusive. Based on the available evidence, the clinical significance of this variant remains unclear.

Color Diagnostics, LLC DBA Color Health
Classification: Uncertain significance for Cardiomyopathy. Last evaluated: 2024-03-06. Review status: criteria provided, single submitter. Criteria: ACMG Guidelines, 2015. Collection method: clinical testing. Allele origin: germline.
Comment: This missense variant replaces valine with methionine at codon 513 of the DSG2 protein. Computational prediction tool suggests that this variant may not impact protein structure and function (internally defined REVEL score threshold <=0.5, PMID: 27666373). Splice site prediction tools suggest that this variant may not impact RNA splicing. To our knowledge, functional studies have not been performed for this variant. This variant has not been reported in individuals affected with cardiovascular disorders in the literature. This variant has been identified in 2/249438 chromosomes in the general population by the Genome Aggregation Database (gnomAD). The available evidence is insufficient to determine the role of this variant in disease conclusively. Therefore, this variant is classified as a Variant of Uncertain Significance.

Labcorp Genetics (formerly Invitae), Labcorp
Classification: Uncertain significance for Arrhythmogenic right ventricular dysplasia 10. Last evaluated: 2022-03-23. Review status: criteria provided, single submitter. Criteria: Invitae Variant Classification Sherloc (09022015). Collection method: clinical testing. Allele origin: germline.
Comment: This sequence change replaces valine, which is neutral and non-polar, with methionine, which is neutral and non-polar, at codon 513 of the DSG2 protein (p.Val513Met). This variant is present in population databases (no rsID available, gnomAD 0.006%). This variant has not been reported in the literature in individuals affected with DSG2-related conditions. ClinVar contains an entry for this variant (Variation ID: 927531). Algorithms developed to predict the effect of missense changes on protein structure and function are either unavailable or do not agree on the potential impact of this missense change (SIFT: "Deleterious"; PolyPhen-2: "Probably Damaging"; Align-GVGD: "Class C0"). In summary, the available evidence is currently insufficient to determine the role of this variant in disease. Therefore, it has been classified as a Variant of Uncertain Significance.